The following is an entry in ClinVar:

ClinVar aggregate classification (germline): Pathogenic (1 of 4 stars; one submission).

Conditions:
Niemann-Pick disease, type B. Also called: Chronic Visceral ASMD (Niemann-Pick Disease Type B; NPD-B). Identifiers: Orphanet 77293, MedGen C0268243, MONDO:0011871, OMIM 607616. Disease mechanism: loss of function.
Niemann-Pick disease, type A. Also called: SPHINGOMYELIN LIPIDOSIS; SPHINGOMYELINASE DEFICIENCY; Infantile Neurovisceral ASMD (Niemann-Pick Disease Type A; NPD-A). Identifiers: Orphanet 77292, MedGen C0268242, MONDO:0009756, OMIM 257200. Disease mechanism: loss of function.

Submission:

Labcorp Genetics (formerly Invitae), Labcorp
Classification: Pathogenic for Niemann-Pick disease, type B; Niemann-Pick disease, type A. Last evaluated: 2023-12-21. Review status: criteria provided, single submitter. Criteria: Invitae Variant Classification Sherloc (09022015). Collection method: clinical testing. Allele origin: germline.
Comment: This variant results in the deletion of part of exon 1 (c.-378_286del) of the SMPD1 gene. It is expected to result in an absent or disrupted protein product. Loss-of-function variants in SMPD1 are known to be pathogenic (PMID: 12369017, 15221801). This variant is not present in population databases (gnomAD no frequency). This variant has not been reported in the literature in individuals affected with SMPD1-related conditions. For these reasons, this variant has been classified as Pathogenic.

Literature cited by the submitters: PubMed 12369017; PubMed 15221801.

NC_000011.10:g.6390221_6390884del

Genes: SMPD1 (sphingomyelin phosphodiesterase 1; plus strand), LOC130005193 (ATAC-STARR-seq lymphoblastoid silent region 3099; plus strand). Cytogenetic location: 11p15.4.
Variant type: Deletion.
Genome position: GRCh38: chr11:6,390,221-6,390,884. GRCh37 (hg19): chr11:6,411,451-6,412,114.
Identifiers: ClinVar variation 2921607 (VCV002921607.3), dbSNP rs2493796691, ClinGen allele CA2740093595.